The following is an entry in ClinVar:

NM_144997.7(FLCN):c.49dup (p.Arg17fs)

Gene: FLCN (folliculin; minus strand). Cytogenetic location: 17p11.2.
Variant type: Duplication.
Coding change: c.49dup on transcript NM_144997.7 (MANE Select); coding-DNA position 49, one base duplicated (C; older notation c.49dupC).
Protein change: p.Arg17fs; shifts the reading frame from arginine 17.
Molecular consequence: frameshift variant.
Genome position (GRCh38, 1-based): chr17:17,228,089, G duplicated on the plus strand (C on the coding strand, the reverse complement: FLCN is on the minus strand); the first of 5 consecutive G bases (chr17:17,228,089-17,228,093); duplicating any one gives the same sequence. VCF-style (leftmost placement, unchanged base first): chr17-17228088-C-CG. GRCh37 (hg19) VCF-style: chr17-17131402-C-CG.
Other names: c.49dup (LRG_325t1); c.49dup, p.Arg17fs (NM_001353229.2, NM_001353230.2, NM_001353231.2 and 1 more transcripts); c.49dupC (NM_144997.5); short protein forms R17fs.
Identifiers: ClinVar variation 429820 (VCV000429820.8), dbSNP rs758385503, ClinGen allele CA645369710.

ClinVar aggregate classification (germline): Pathogenic. Review status: criteria provided, multiple submitters, no conflicts (2 of 4 stars). 4 submissions from 4 submitters: Pathogenic (4). Last evaluated 2019-05-28.

Conditions:
Birt-Hogg-Dube syndrome 1 (BHD1). Also called: FIBROFOLLICULOMAS WITH TRICHODISCOMAS AND ACROCHORDONS. Identifiers: Orphanet 122, MedGen CN375946, MONDO:0800445, OMIM 135150.
17p11.2 microduplication syndrome (PTLS). Also called: CHROMOSOME 17p11.2 DUPLICATION SYNDROME; Potocki-Lupski syndrome; Duplication 17p11.2 syndrome; Potocki-Lupski syndrome (dup(17)(p11.2p11.2)). Identifiers: Orphanet 1713, MedGen C2931246, MONDO:0012574, OMIM 610883.
Birt-Hogg-Dube syndrome. Also called: Birt Hogg Dubé syndrome. Identifiers: Orphanet 122, MedGen C0346010, MONDO:0800444.

Submissions (4):

Mendelics
Classification: Pathogenic for Birt-Hogg-Dube syndrome 1. Last evaluated: 2019-05-28. Review status: criteria provided, single submitter. Criteria: Mendelics Assertion Criteria 2017. Collection method: clinical testing. Allele origin: unknown.

Centre for Mendelian Genomics, University Medical Centre Ljubljana
Classification: Pathogenic for 17p11.2 microduplication syndrome. Last evaluated: 2018-10-31. Review status: criteria provided, single submitter. Criteria: ACMG Guidelines, 2015. Collection method: clinical testing. Allele origin: unknown. Affected: yes.
Comment: This variant was classified as: Pathogenic. The following ACMG criteria were applied in classifying this variant: PVS1,PS2,PM2.

GeneDx
Classification: Pathogenic. Last evaluated: 2015-09-03. Review status: criteria provided, single submitter. Criteria: GeneDx Variant Classification (06012015). Collection method: clinical testing. Allele origin: germline. Affected: yes.
Comment: The c.49dupC duplication in the FLCN gene causes a frameshift starting with codon Arginine 17, changes this amino acid to a Proline residue and creates a premature Stop codon at position 20 of the new reading frame, denoted p.Arg17ProfsX20. This variant is predicted to cause loss of normal protein function either through protein truncation or nonsense-mediated mRNA decay. Therefore, we interpret c.49dupC as a pathogenic variant.

Juno Genomics, Hangzhou Juno Genomics, Inc
Classification: Pathogenic for Birt-Hogg-Dube syndrome 1. Review status: criteria provided, single submitter. Criteria: ACMG Guidelines, 2015. Collection method: clinical testing. Allele origin: germline. Affected: yes.
Comment: Absent from controls (or at extremely low frequency if recessive) in Genome Aggregation Database, Exome Sequencing Project, 1000 Genomes Project, or Exome Aggregation Consortium.;Null variant in a gene where loss of function (LOF) is a known mechanism of disease.;De novo (both maternity and paternity confirmed) in a patient with the disease and no family history.